The following is an entry in ClinVar:

ClinVar aggregate classification (germline): Uncertain significance. Review status: criteria provided, multiple submitters, no conflicts (2 of 4 stars). 5 submissions from 5 submitters: Uncertain significance (5). Last evaluated 2026-08-15.

Conditions:
Spermatogenic failure 28. Identifiers: MedGen C4748117, MONDO:0054732, OMIM 618086.
Premature ovarian failure 15. Identifiers: MedGen C4748170, MONDO:0054862, OMIM 618096.
FANCM-related disorder. Also called: FANCM-related condition.
Fanconi anemia (FA). Also called: Fanconi's anemia. Identifiers: Orphanet 84, MedGen C0015625, MeSH D005199, MONDO:0019391.

Allele frequency attached by ClinVar (database versions not stated): gnomAD exomes 0.00002 and 0.00003; TOPMed 0.00002; gnomAD 0.00003; ExAC 0.00001.
gnomAD v4.1: 52 of 1,609,502 alleles (0.0032%); highest among the groups gnomAD compares: Non-Finnish European, 0.0044%; no homozygotes.

Submissions (5):

PreventionGenetics, part of Exact Sciences
Classification: Uncertain significance for FANCM-related condition. Last evaluated: 2026-08-15. Review status: criteria provided, single submitter. Criteria: ACMG Guidelines, 2015. Collection method: clinical testing. Allele origin: germline.
Comment: The FANCM c.4433G>A variant is predicted to result in the amino acid substitution p.Cys1478Tyr. To our knowledge, this variant has not been reported in the literature. This variant is reported in 0.0039% of alleles in individuals of European (Non-Finnish) descent in gnomAD and is classified as 'uncertain' in ClinVar (Variation ID: 1313752). At this time, the clinical significance of this variant is uncertain due to the absence of conclusive functional and genetic evidence.

Labcorp Genetics (formerly Invitae), Labcorp
Classification: Uncertain significance for Fanconi anemia. Last evaluated: 2025-12-29. Review status: criteria provided, single submitter. Criteria: Invitae Variant Classification Sherloc (09022015). Collection method: clinical testing. Allele origin: germline.
Comment: This sequence change replaces cysteine, which is neutral and slightly polar, with tyrosine, which is neutral and polar, at codon 1478 of the FANCM protein (p.Cys1478Tyr). This variant is present in population databases (rs553521590, gnomAD 0.005%). This variant has not been reported in the literature in individuals affected with FANCM-related conditions. ClinVar contains an entry for this variant (Variation ID: 1313752). An algorithm developed to predict the effect of missense changes on protein structure and function outputs the following: PolyPhen-2: "Benign". The tyrosine amino acid residue is found in multiple mammalian species, which suggests that this missense change does not adversely affect protein function. In summary, the available evidence is currently insufficient to determine the role of this variant in disease. Therefore, it has been classified as a Variant of Uncertain Significance.

Quest Diagnostics Nichols Institute San Juan Capistrano
Classification: Uncertain significance. Last evaluated: 2025-07-17. Review status: criteria provided, single submitter. Criteria: Quest Diagnostics criteria. Collection method: clinical testing. Allele origin: unknown.
Comment: The FANCM c.4433G>A (p.Cys1478Tyr) variant has not been reported in individuals with FANCM-related conditions in the published literature. The frequency of this variant in the general population (Genome Aggregation Database) is uninformative in the assessment of its pathogenicity. Analysis of this variant using bioinformatics tools for the prediction of the effect of amino acid changes on protein structure and function yielded predictions that this variant is benign. Based on the available information, we are unable to determine the clinical significance of this variant.

GeneDx
Classification: Uncertain significance. Last evaluated: 2023-06-28. Review status: criteria provided, single submitter. Criteria: GeneDx Variant Classification Process June 2021. Collection method: clinical testing. Allele origin: germline. Affected: yes.
Comment: Not observed at significant frequency in large population cohorts (gnomAD); In silico analysis supports that this missense variant does not alter protein structure/function; Has not been previously published as pathogenic or benign to our knowledge

Fulgent Genetics
Classification: Uncertain significance for Spermatogenic failure 28; Premature ovarian failure 15. Last evaluated: 2022-04-12. Review status: criteria provided, single submitter. Criteria: ACMG Guidelines, 2015. Collection method: clinical testing. Allele origin: unknown.

NM_020937.4(FANCM):c.4433G>A (p.Cys1478Tyr)

Gene: FANCM (FA complementation group M; plus strand). Cytogenetic location: 14q21.2.
Variant type: single nucleotide variant.
Coding change: c.4433G>A on transcript NM_020937.4 (MANE Select); coding-DNA position 4433, G replaced by A.
Protein change: p.Cys1478Tyr; replaces cysteine 1478 with tyrosine.
Molecular consequence: missense variant.
Genome position (GRCh38, 1-based): chr14:45,183,820, G>A. VCF-style: chr14-45183820-G-A. GRCh37 (hg19) VCF-style: chr14-45653023-G-A.
Other names: c.4355G>A, p.Cys1452Tyr (NM_001308133.2); short protein forms C1452Y, C1478Y.
Identifiers: ClinVar variation 1313752 (VCV001313752.12), dbSNP rs553521590, ClinGen allele CA7169749.
Genomic context (GRCh38, chr14:45,183,820, plus strand): 5'-TCGAATTATTATAGTCAGAATTATCATCTAGTGATGAGAGTGAGAATTTTCCCAAACCAT[G>A]TTCACAATTAGAAGACTTCAAGGTTTGTAACGGGAATGCCAGAAGAGGCATCAAAGTCCC-3'
Protein context (NP_065988.1, residues 1468-1488): SDESENFPKP[Cys1478Tyr]SQLEDFKVCN